The following is an entry in ClinVar:

ClinVar aggregate classification (germline): Uncertain significance (1 of 4 stars; one submission).

gnomAD v4.1: 6 of 1,613,204 alleles (0.00037%); highest among the groups gnomAD compares: Admixed American, 0.01%; no homozygotes.

Submission:

Labcorp Genetics (formerly Invitae), Labcorp
Classification: Uncertain significance. Last evaluated: 2024-08-02. Review status: criteria provided, single submitter. Criteria: Invitae Variant Classification Sherloc (09022015). Collection method: clinical testing. Allele origin: germline.
Comment: This sequence change replaces glycine, which is neutral and non-polar, with cysteine, which is neutral and slightly polar, at codon 1534 of the TOP2B protein (p.Gly1534Cys). This variant also falls at the last nucleotide of exon 34, which is part of the consensus splice site for this exon. This variant is present in population databases (rs761472190, gnomAD 0.01%). This variant has not been reported in the literature in individuals affected with TOP2B-related conditions. An algorithm developed to predict the effect of missense changes on protein structure and function (PolyPhen-2) suggests that this variant is likely to be disruptive. Variants that disrupt the consensus splice site are a relatively common cause of aberrant splicing (PMID: 17576681, 9536098). Algorithms developed to predict the effect of sequence changes on RNA splicing suggest that this variant may disrupt the consensus splice site. In summary, the available evidence is currently insufficient to determine the role of this variant in disease. Therefore, it has been classified as a Variant of Uncertain Significance.

Literature cited by the submitters: PubMed 17576681; PubMed 9536098.

NM_001330700.2(TOP2B):c.4615G>T (p.Gly1539Cys)

Gene: TOP2B (DNA topoisomerase II beta; minus strand). Cytogenetic location: 3p24.2.
Variant type: single nucleotide variant.
Coding change: c.4615G>T on transcript NM_001330700.2 (MANE Select); coding-DNA position 4615, G replaced by T.
Protein change: p.Gly1539Cys; replaces glycine 1539 with cysteine.
Molecular consequence: missense variant.
Genome position (GRCh38, 1-based): chr3:25,601,100, C>A on the plus strand (G>T on the coding strand, the complement: TOP2B is on the minus strand). VCF-style: chr3-25601100-C-A. GRCh37 (hg19) VCF-style: chr3-25642591-C-A.
Other names: c.4600G>T, p.Gly1534Cys (NM_001068.3); short protein forms G1534C, G1539C.
Identifiers: ClinVar variation 3668109 (VCV003668109.2).